The following is an entry in ClinVar:

ClinVar aggregate classification (germline): Pathogenic/Likely pathogenic. Review status: criteria provided, multiple submitters, no conflicts (2 of 4 stars). 2 submissions from 2 submitters: Pathogenic (1); Likely pathogenic (1). Last evaluated 2024-10-01.

Conditions:
SPG11-related disorder. Also called: SPG11-related condition.

gnomAD v4.1: 6 of 1,614,182 alleles (0.00037%); highest among the groups gnomAD compares: Non-Finnish European, 0.00051%; no homozygotes.

Submissions (2):

CeGaT Center for Human Genetics Tuebingen
Classification: Pathogenic. Last evaluated: 2024-10-01. Review status: criteria provided, single submitter. Criteria: CeGaT Center For Human Genetics Tuebingen Variant Classification Criteria Version 2. Collection method: clinical testing. Allele origin: germline. Affected: yes. Observed: 1 variant allele.
Comment: SPG11: PVS1, PM2

Blueprint Genetics
Classification: Likely pathogenic for SPG11-related disorders. Last evaluated: 2022-07-29. Review status: criteria provided, single submitter. Criteria: ACMG Guidelines, 2015. Collection method: clinical testing. Allele origin: germline. Affected: yes. Observed: 1 variant allele.

NM_025137.4(SPG11):c.4235C>G (p.Ser1412Ter)

Genes: SPG11 (SPG11 vesicle trafficking associated, spatacsin; minus strand), LOC130056973 (ATAC-STARR-seq lymphoblastoid active region 9341; plus strand). Cytogenetic location: 15q21.1.
Variant type: single nucleotide variant.
Coding change: c.4235C>G on transcript NM_025137.4 (MANE Select); coding-DNA position 4235, C replaced by G.
Protein change: p.Ser1412Ter; replaces serine 1412 with a stop codon.
Molecular consequence: nonsense.
Genome position (GRCh38, 1-based): chr15:44,596,282, G>C on the plus strand (C>G on the coding strand, the complement: SPG11 is on the minus strand). VCF-style: chr15-44596282-G-C. GRCh37 (hg19) VCF-style: chr15-44888480-G-C.
Other names: c.4235C>G, p.Ser1412Ter (NM_001160227.2, NM_001411132.1); short protein forms S1412*.
Identifiers: ClinVar variation 3389882 (VCV003389882.15).